The following is an entry in ClinVar:

NM_005751.5(AKAP9):c.2542A>G (p.Asn848Asp)

Gene: AKAP9 (A-kinase anchoring protein 9; plus strand). Cytogenetic location: 7q21.2.
Variant type: single nucleotide variant.
Coding change: c.2542A>G on transcript NM_005751.5 (MANE Select); coding-DNA position 2542, A replaced by G.
Protein change: p.Asn848Asp; replaces asparagine 848 with aspartic acid.
Molecular consequence: missense variant.
Genome position (GRCh38, 1-based): chr7:92,002,459, A>G. VCF-style: chr7-92002459-A-G. GRCh37 (hg19) VCF-style: chr7-91631773-A-G.
Other names: c.2542A>G, p.Asn848Asp (NM_147185.3); short protein forms N848D.
Identifiers: ClinVar variation 1713312 (VCV001713312.5), dbSNP rs2484693993, ClinGen allele CA368124361.

ClinVar aggregate classification (germline): Uncertain significance (1 of 4 stars; one submission).

Conditions:
Long QT syndrome (LQTS). Identifiers: MedGen C0023976, MeSH D008133, MONDO:0002442. Disease mechanism: loss of function. Inheritance: Various modes of inheritance.

Submission:

Labcorp Genetics (formerly Invitae), Labcorp
Classification: Uncertain significance for Long QT syndrome. Last evaluated: 2022-07-22. Review status: criteria provided, single submitter. Criteria: Invitae Variant Classification Sherloc (09022015). Collection method: clinical testing. Allele origin: germline.
Comment: In summary, the available evidence is currently insufficient to determine the role of this variant in disease. Therefore, it has been classified as a Variant of Uncertain Significance. Algorithms developed to predict the effect of missense changes on protein structure and function (SIFT, PolyPhen-2, Align-GVGD) all suggest that this variant is likely to be tolerated. This variant has not been reported in the literature in individuals affected with AKAP9-related conditions. This variant is not present in population databases (gnomAD no frequency). This sequence change replaces asparagine, which is neutral and polar, with aspartic acid, which is acidic and polar, at codon 848 of the AKAP9 protein (p.Asn848Asp).